The following is an entry in ClinVar:

ClinVar aggregate classification (germline): Uncertain significance (1 of 4 stars; one submission).

Conditions:
Baraitser-Winter syndrome 1 (BRWS1). Also called: BARAITSER-WINTER SYNDROME 1, ATYPICAL; Cerebrofrontofacial syndrome; PACHYGYRIA, MENTAL RETARDATION, EPILEPSY, AND CHARACTERISTIC FACIES; MENTAL RETARDATION WITH EPILEPSY AND CHARACTERISTIC FACIES. Identifiers: Orphanet 2649, Orphanet 2995, MedGen C1855722, MONDO:0009470, OMIM 243310.

Allele frequency attached by ClinVar (database versions not stated): gnomAD exomes below 0.00001 and 0.00001; ExAC 0.00001; gnomAD 0.00002; TOPMed 0.00002.
gnomAD v4.1: 11 of 1,614,042 alleles (0.00068%); highest among the groups gnomAD compares: African/African-American, 0.0013%; no homozygotes.

Submissions (2):

Labcorp Genetics (formerly Invitae), Labcorp
Classification: Uncertain significance for Baraitser-Winter syndrome 1. Last evaluated: 2025-03-19. Review status: criteria provided, single submitter. Criteria: Invitae Variant Classification Sherloc (09022015). Collection method: clinical testing. Allele origin: germline.
Comment: This sequence change affects codon 328 of the ACTB mRNA. It is a 'silent' change, meaning that it does not change the encoded amino acid sequence of the ACTB protein. This variant also falls at the last nucleotide of exon 5, which is part of the consensus splice site for this exon. This variant is present in population databases (rs754862802, gnomAD 0.0009%). This variant has not been reported in the literature in individuals affected with ACTB-related conditions. ClinVar contains an entry for this variant (Variation ID: 1518951). Variants that disrupt the consensus splice site are a relatively common cause of aberrant splicing (PMID: 17576681, 9536098). Algorithms developed to predict the effect of sequence changes on RNA splicing suggest that this variant is not likely to affect RNA splicing. In summary, the available evidence is currently insufficient to determine the role of this variant in disease. Therefore, it has been classified as a Variant of Uncertain Significance.

Dr. Peter K. Rogan Lab, Western University
No classification provided (evidence only). Condition: Hepatocellular carcinoma. Review status: no classification provided. Collection method: in vitro. Allele origin: not applicable. Functional consequence: retained intron. Not counted in ClinVar's aggregate classification.

Literature cited by the submitters: PubMed 17576681 (cited by Labcorp Genetics (formerly Invitae), Labcorp); PubMed 9536098 (cited by Labcorp Genetics (formerly Invitae), Labcorp).

NM_001101.5(ACTB):c.984G>A (p.Lys328=)

Gene: ACTB (actin beta; minus strand). Cytogenetic location: 7p22.1.
Variant type: single nucleotide variant.
Coding change: c.984G>A on transcript NM_001101.5 (MANE Select); coding-DNA position 984, G replaced by A.
Protein change: p.Lys328=; no amino-acid change (lysine 328 retained).
Molecular consequence: synonymous variant.
Genome position (GRCh38, 1-based): chr7:5,528,004, C>T on the plus strand (G>A on the coding strand, the complement: ACTB is on the minus strand). VCF-style: chr7-5528004-C-T. GRCh37 (hg19) VCF-style: chr7-5567635-C-T.
Identifiers: ClinVar variation 1518951 (VCV001518951.7), dbSNP rs754862802, ClinGen allele CA4146889.